The following is an entry in ClinVar:

NM_003998.4(NFKB1):c.712G>A (p.Asp238Asn)

Gene: NFKB1 (nuclear factor kappa B subunit 1; plus strand). Cytogenetic location: 4q24.
Variant type: single nucleotide variant.
Coding change: c.712G>A on transcript NM_003998.4 (MANE Select); coding-DNA position 712, G replaced by A.
Protein change: p.Asp238Asn; replaces aspartic acid 238 with asparagine.
Molecular consequence: missense variant.
Genome position (GRCh38, 1-based): chr4:102,579,021, G>A. VCF-style: chr4-102579021-G-A. GRCh37 (hg19) VCF-style: chr4-103500178-G-A.
Other names: c.709G>A, p.Asp237Asn (NM_001165412.2, NM_001319226.2, NM_001382627.1); c.712G>A, p.Asp238Asn (NM_001382625.1, NM_001382626.1); c.670G>A, p.Asp224Asn (NM_001382628.1); short protein forms D237N, D224N, D238N.
Identifiers: ClinVar variation 2770391 (VCV002770391.3), dbSNP rs2476415943, ClinGen allele CA357959767.

ClinVar aggregate classification (germline): Uncertain significance (1 of 4 stars; one submission).

Submission:

Labcorp Genetics (formerly Invitae), Labcorp
Classification: Uncertain significance. Last evaluated: 2023-10-20. Review status: criteria provided, single submitter. Criteria: Invitae Variant Classification Sherloc (09022015). Collection method: clinical testing. Allele origin: germline.
Comment: This sequence change replaces aspartic acid, which is acidic and polar, with asparagine, which is neutral and polar, at codon 238 of the NFKB1 protein (p.Asp238Asn). This variant is not present in population databases (gnomAD no frequency). This variant has not been reported in the literature in individuals affected with NFKB1-related conditions. Advanced modeling of protein sequence and biophysical properties (such as structural, functional, and spatial information, amino acid conservation, physicochemical variation, residue mobility, and thermodynamic stability) performed at Invitae indicates that this missense variant is not expected to disrupt NFKB1 protein function. In summary, the available evidence is currently insufficient to determine the role of this variant in disease. Therefore, it has been classified as a Variant of Uncertain Significance.